The following is an entry in ClinVar:

NM_003816.3(ADAM9):c.1689T>G (p.Cys563Trp)

Gene: ADAM9 (ADAM metallopeptidase domain 9; plus strand). Cytogenetic location: 8p11.22.
Variant type: single nucleotide variant.
Coding change: c.1689T>G on transcript NM_003816.3 (MANE Select); coding-DNA position 1689, T replaced by G.
Protein change: p.Cys563Trp; replaces cysteine 563 with tryptophan.
Molecular consequence: missense variant. On other transcripts: non-coding transcript variant (3).
Genome position (GRCh38, 1-based): chr8:39,071,395, T>G. VCF-style: chr8-39071395-T-G. GRCh37 (hg19) VCF-style: chr8-38928914-T-G.
Other names: short protein forms C563W.
Identifiers: ClinVar variation 2010318 (VCV002010318.4), dbSNP rs2536359021, ClinGen allele CA370745890.
Genomic context (GRCh38, chr8:39,071,395, plus strand): 5'-GAATTCTAAAGGTGACAGATTTGGCAATTGTGGTTTCTCTGGCAATGAATACAAGAAGTG[T>G]GCCACTGGGTAAGTGGAGGTGCGGTCATAATGGAATATGAAAGATTATAAGATCCGTCAT-3'
Protein context (NP_003807.1, residues 553-573): CGFSGNEYKK[Cys563Trp]ATGNALCGKL

ClinVar aggregate classification (germline): Uncertain significance (1 of 4 stars; one submission).

Submission:

Labcorp Genetics (formerly Invitae), Labcorp
Classification: Uncertain significance. Last evaluated: 2022-07-12. Review status: criteria provided, single submitter. Criteria: Invitae Variant Classification Sherloc (09022015). Collection method: clinical testing. Allele origin: germline.
Comment: This sequence change replaces cysteine, which is neutral and slightly polar, with tryptophan, which is neutral and slightly polar, at codon 563 of the ADAM9 protein (p.Cys563Trp). This variant is not present in population databases (gnomAD no frequency). This variant has not been reported in the literature in individuals affected with ADAM9-related conditions. Algorithms developed to predict the effect of missense changes on protein structure and function (SIFT, PolyPhen-2, Align-GVGD) all suggest that this variant is likely to be disruptive. In summary, the available evidence is currently insufficient to determine the role of this variant in disease. Therefore, it has been classified as a Variant of Uncertain Significance.